The following is an entry in ClinVar:

NM_003995.4(NPR2):c.2950G>A (p.Val984Met)

Genes: NPR2 (natriuretic peptide receptor 2; plus strand), SPAG8 (sperm associated antigen 8; minus strand). Cytogenetic location: 9p13.3.
Variant type: single nucleotide variant.
Coding change: c.2950G>A on transcript NM_003995.4 (MANE Select); coding-DNA position 2950, G replaced by A.
Protein change: p.Val984Met; replaces valine 984 with methionine.
Molecular consequence: missense variant. On other transcripts: intron variant (2).
Genome position (GRCh38, 1-based): chr9:35,808,817, G>A. VCF-style: chr9-35808817-G-A. GRCh37 (hg19) VCF-style: chr9-35808814-G-A.
Other names: c.2959G>A, p.Val987Met (NM_001378923.1); c.1201-511C>T (NM_001366760.2); c.1373-511C>T (NM_172312.2); short protein forms V984M, V987M.
Identifiers: ClinVar variation 3758607 (VCV003758607.2).

ClinVar aggregate classification (germline): Uncertain significance (1 of 4 stars; one submission).

Conditions:
Acromesomelic dysplasia 1, Maroteaux type (AMD1). Also called: ST. HELENA DYSPLASIA; ACROMESOMELIC DYSPLASIA 1. Identifiers: Orphanet 40, MedGen C1864356, MONDO:0011275, OMIM 602875.
Tall stature-scoliosis-macrodactyly of the great toes syndrome. Also called: Epiphyseal chondrodysplasia, miura type. Identifiers: Orphanet 329191, MedGen C4014690, MONDO:0014401, OMIM 615923.

Submission:

Labcorp Genetics (formerly Invitae), Labcorp
Classification: Uncertain significance for Tall stature-scoliosis-macrodactyly of the great toes syndrome; Acromesomelic dysplasia 1, Maroteaux type. Last evaluated: 2024-11-30. Review status: criteria provided, single submitter. Criteria: Invitae Variant Classification Sherloc (09022015). Collection method: clinical testing. Allele origin: germline.
Comment: This sequence change replaces valine, which is neutral and non-polar, with methionine, which is neutral and non-polar, at codon 984 of the NPR2 protein (p.Val984Met). This variant is not present in population databases (gnomAD no frequency). This variant has not been reported in the literature in individuals affected with NPR2-related conditions. Invitae Evidence Modeling of protein sequence and biophysical properties (such as structural, functional, and spatial information, amino acid conservation, physicochemical variation, residue mobility, and thermodynamic stability) indicates that this missense variant is expected to disrupt NPR2 protein function with a positive predictive value of 80%. In summary, the available evidence is currently insufficient to determine the role of this variant in disease. Therefore, it has been classified as a Variant of Uncertain Significance.